The following is an entry in ClinVar:

NM_000260.4(MYO7A):c.519G>A (p.Gln173=)

Gene: MYO7A (myosin VIIA; plus strand). Cytogenetic location: 11q13.5.
Variant type: single nucleotide variant.
Coding change: c.519G>A on transcript NM_000260.4 (MANE Select); coding-DNA position 519, G replaced by A.
Protein change: p.Gln173=; no amino-acid change (glutamine 173 retained).
Molecular consequence: synonymous variant.
Genome position (GRCh38, 1-based): chr11:77,156,708, G>A. VCF-style: chr11-77156708-G-A. GRCh37 (hg19) VCF-style: chr11-76867754-G-A.
Other names: c.519G>A, p.Gln173= (NM_001127180.2); c.486G>A, p.Gln162= (NM_001369365.1).
Identifiers: ClinVar variation 760330 (VCV000760330.14), dbSNP rs369757929, ClinGen allele CA6197162.

ClinVar aggregate classification (germline): Conflicting classifications of pathogenicity. Review status: criteria provided, conflicting classifications (1 of 4 stars). 4 submissions from 4 submitters: Uncertain significance (2); Likely benign (1). 1 of the submissions does not count toward it. Last evaluated 2026-03-31.

Conditions:
Usher syndrome type 1B (USH1B). Also called: Usher syndrome type IB. Identifiers: MedGen C1848638, MONDO:0700087.
MYO7A-related disorder. Also called: MYO7A-related disorders.

Allele frequency attached by ClinVar (database versions not stated): gnomAD 0.00007 and 0.00008; ExAC 0.00002; ESP Exome Variant Server 0.00008; TOPMed 0.00009; gnomAD exomes 0.00001 and 0.00002.
gnomAD v4.1: 18 of 1,613,862 alleles (0.0011%); highest among the groups gnomAD compares: African/African-American, 0.015%; no homozygotes.

Submissions (4):

GeneDx
Classification: Uncertain significance. Last evaluated: 2026-03-31. Review status: criteria provided, single submitter. Criteria: GeneDx Variant Classification Process June 2021. Collection method: clinical testing. Allele origin: germline.
Comment: Has not been previously published as pathogenic or benign to our knowledge; In silico analysis suggests this variant may impact gene splicing. In the absence of RNA/functional studies, the actual effect of this sequence change is unknown.

PreventionGenetics, part of Exact Sciences
Classification: Uncertain significance for MYO7A-related condition. Last evaluated: 2026-03-20. Review status: criteria provided, single submitter. Criteria: ACMG Guidelines, 2015. Collection method: clinical testing. Allele origin: germline.
Comment: The MYO7A c.519G>A variant is not predicted to result in an amino acid change (p.=). This variant is predicted to alter splicing based on available splicing prediction programs (SpliceAI, Jaganathan et al. 2019. PubMed ID: 30661751). However, the use of computer prediction programs is not equivalent to functional evidence. To our knowledge, this variant has not been reported in the literature. This variant is reported in 0.029% of alleles in individuals of African descent in gnomAD. At this time, the clinical significance of this variant is uncertain due to the absence of conclusive functional and genetic evidence.

Labcorp Genetics (formerly Invitae), Labcorp
Classification: Likely benign. Last evaluated: 2024-11-05. Review status: criteria provided, single submitter. Criteria: Invitae Variant Classification Sherloc (09022015). Collection method: clinical testing. Allele origin: germline.

Natera, Inc.
Classification: Uncertain significance for Usher syndrome type 1B. Last evaluated: 2020-01-24. Review status: no assertion criteria provided. Collection method: clinical testing. Allele origin: germline. Not counted in ClinVar's aggregate classification.